The following is an entry in ClinVar:

ClinVar aggregate classification (germline): Uncertain significance. Review status: criteria provided, multiple submitters, no conflicts (2 of 4 stars). 4 submissions from 4 submitters: Uncertain significance (4). Last evaluated 2026-07-22.

Conditions:
PLEC-related disorder. Also called: PLEC-related disorders; PLEC-related condition.
Epidermolysis bullosa simplex 5C, with pyloric atresia (EBS5C). Also called: PLEC-Related Epidermolysis Bullosa with Pyloric Atresia; PLEC1-Related Epidermolysis Bullosa with Pyloric Atresia; Epidermolysis bullosa simplex with pyloric atresia. Identifiers: Orphanet 158684, MedGen C2677349, MONDO:0012807, OMIM 612138.
Epidermolysis bullosa simplex, Ogna type (EBS5A). Also called: Pidermolysis bullosa simplex 5A, Ogna type; EPIDERMOLYSIS BULLOSA SIMPLEX 5A, OGNA TYPE. Identifiers: Orphanet 79401, MedGen C0432317, MONDO:0007555, OMIM 131950.
Epidermolysis bullosa simplex 5B, with muscular dystrophy (EBS5B). Also called: Epidermolysis bullosa simplex with muscular dystrophy; EPIDERMOLYSIS BULLOSA SIMPLEX AND LIMB-GIRDLE MUSCULAR DYSTROPHY. Identifiers: Orphanet 257, MedGen C2931072, MONDO:0009181, OMIM 226670.
Epidermolysis bullosa simplex with nail dystrophy (EBS5D). Identifiers: MedGen C4225309, MONDO:0014661, OMIM 616487.
Autosomal recessive limb-girdle muscular dystrophy type 2Q (LGMDR17). Also called: MUSCULAR DYSTROPHY, LIMB-GIRDLE, AUTOSOMAL RECESSIVE 17. Identifiers: Orphanet 254361, MedGen C3150989, MONDO:0013390, OMIM 613723.

Allele frequency attached by ClinVar (database versions not stated): gnomAD exomes 0.00004 and 0.00009; ExAC 0.00011; gnomAD 0.00021 and 0.00024; TOPMed 0.00027; ESP Exome Variant Server 0.00031.
gnomAD v4.1: 86 of 1,613,184 alleles (0.0053%); highest among the groups gnomAD compares: African/African-American, 0.067%; no homozygotes.

Submissions (4):

PreventionGenetics, part of Exact Sciences
Classification: Uncertain significance for PLEC-related condition. Last evaluated: 2026-07-22. Review status: criteria provided, single submitter. Criteria: ACMG Guidelines, 2015. Collection method: clinical testing. Allele origin: germline.
Comment: The PLEC c.9872C>T variant is predicted to result in the amino acid substitution p.Ala3291Val. To our knowledge, this variant has not been reported in the literature. This variant is reported in 0.058% of alleles in individuals of African descent in gnomAD. Although we suspect that this variant may be benign, at this time, the clinical significance of this variant is uncertain due to the absence of conclusive functional and genetic evidence.

Labcorp Genetics (formerly Invitae), Labcorp
Classification: Uncertain significance for Autosomal recessive limb-girdle muscular dystrophy type 2Q; Epidermolysis bullosa simplex, Ogna type; Epidermolysis bullosa simplex with nail dystrophy; Epidermolysis bullosa simplex 5C, with pyloric atresia; Epidermolysis bullosa simplex 5B, with muscular dystrophy. Last evaluated: 2025-06-29. Review status: criteria provided, single submitter. Criteria: Invitae Variant Classification Sherloc (09022015). Collection method: clinical testing. Allele origin: germline.
Comment: This sequence change replaces alanine, which is neutral and non-polar, with valine, which is neutral and non-polar, at codon 3291 of the PLEC protein (p.Ala3291Val). This variant is present in population databases (rs200413602, gnomAD 0.06%). This variant has not been reported in the literature in individuals affected with PLEC-related conditions. ClinVar contains an entry for this variant (Variation ID: 565668). An algorithm developed to predict the effect of missense changes on protein structure and function outputs the following: PolyPhen-2: "Benign". The valine amino acid residue is found in multiple mammalian species, which suggests that this missense change does not adversely affect protein function. In summary, the available evidence is currently insufficient to determine the role of this variant in disease. Therefore, it has been classified as a Variant of Uncertain Significance.

Revvity Omics, Revvity
Classification: Uncertain significance. Last evaluated: 2021-03-25. Review status: criteria provided, single submitter. Criteria: ACMG Guidelines, 2015. Collection method: clinical testing. Allele origin: germline.

Eurofins Ntd Llc (ga)
Classification: Uncertain significance. Last evaluated: 2018-06-21. Review status: criteria provided, single submitter. Criteria: EGL ClinVar v180209 classification definitions. Collection method: clinical testing. Allele origin: germline. Observed: 2 variant alleles, 2 heterozygotes.

NM_201384.3(PLEC):c.9791C>T (p.Ala3264Val)

Gene: PLEC (plectin; minus strand). Cytogenetic location: 8q24.3.
Variant type: single nucleotide variant.
Coding change: c.9791C>T on transcript NM_201384.3 (MANE Select); coding-DNA position 9791, C replaced by T.
Protein change: p.Ala3264Val; replaces alanine 3264 with valine.
Molecular consequence: missense variant.
Genome position (GRCh38, 1-based): chr8:143,920,030, G>A on the plus strand (C>T on the coding strand, the complement: PLEC is on the minus strand). VCF-style: chr8-143920030-G-A. GRCh37 (hg19) VCF-style: chr8-144994198-G-A.
Other names: c.9872C>T, p.Ala3291Val (NM_000445.5); c.9749C>T, p.Ala3250Val (NM_201378.4); c.9725C>T, p.Ala3242Val (NM_201379.3); c.10202C>T, p.Ala3401Val (NM_201380.4); c.9695C>T, p.Ala3232Val (NM_201381.3); c.9791C>T, p.Ala3264Val (NM_201382.4); c.9803C>T, p.Ala3268Val (NM_201383.3); short protein forms A3232V, A3242V, A3250V, A3291V, A3264V, A3268V, A3401V.
Identifiers: ClinVar variation 565668 (VCV000565668.14), dbSNP rs200413602, ClinGen allele CA4924857.
Genomic context (GRCh38, chr8:143,920,030, plus strand): 5'-ACCTTCTCCACGGTGACCTTGCCCGTGCGGAACTGACGCAACAGCTCCTGCCGCTGCTCC[G>A]CAGTGAAGTACTCAGAGCTGATGAGCTCCCACACCGTCACCGTCCTGCCCTTGAAGCCAC-3'
Protein context (NP_958786.1, residues 3254-3274): WELISSEYFT[Ala3264Val]EQRQELLRQF